The following is an entry in ClinVar:

ClinVar aggregate classification (germline): Uncertain significance (1 of 4 stars; one submission).

Submission:

GeneDx
Classification: Uncertain significance. Last evaluated: 2025-03-29. Review status: criteria provided, single submitter. Criteria: GeneDx Variant Classification Process June 2021. Collection method: clinical testing. Allele origin: germline. Affected: yes.
Comment: Not observed at significant frequency in large population cohorts (gnomAD); In silico analysis supports that this missense variant has a deleterious effect on protein structure/function; Has not been previously published as pathogenic or benign to our knowledge

NM_005097.4(LGI1):c.803T>G (p.Val268Gly)

Gene: LGI1 (leucine rich glioma inactivated 1; plus strand). Cytogenetic location: 10q23.33.
Variant type: single nucleotide variant.
Coding change: c.803T>G on transcript NM_005097.4 (MANE Select); coding-DNA position 803, T replaced by G.
Protein change: p.Val268Gly; replaces valine 268 with glycine.
Molecular consequence: missense variant. On other transcripts: non-coding transcript variant (1).
Genome position (GRCh38, 1-based): chr10:93,793,315, T>G. VCF-style: chr10-93793315-T-G. GRCh37 (hg19) VCF-style: chr10-95553072-T-G.
Other names: c.803T>G, p.Val268Gly (NM_001308275.2); c.659T>G, p.Val220Gly (NM_001308276.2); short protein forms V220G, V268G.
Identifiers: ClinVar variation 4278693 (VCV004278693.1).